The following is an entry in ClinVar:

ClinVar aggregate classification (germline): Likely pathogenic (0 of 4 stars; one submission).

Submission:

Genetic Services Laboratory, University of Chicago
Classification: Likely pathogenic. Last evaluated: 2022-09-08. Review status: no assertion criteria provided. Collection method: clinical testing. Allele origin: germline. Affected: yes.
Comment: DNA sequence analysis of the NAF1 gene demonstrated a sequence change located in the canonical splice donor site in intron 7, c.1033+1G>A. This sequence change does not appear to have been previously described in individuals with NAF1-related disorders; however, other truncating sequence changes in exon 7 have been described in individuals with NAF1-related telomere biology disorders (PMID: 27510903). The c.1033+1G>A sequence change is absent from large population databases (ExAC and gnomAD). This likely pathogenic sequence change is predicted to affect normal splicing of the NAF1 gene and result in an abnormal protein. These collective evidences indicate that this sequence change is likely pathogenic, however, functional studies have not been completed to prove this conclusively.

NM_138386.3(NAF1):c.1033+1G>A

Gene: NAF1 (nuclear assembly factor 1 ribonucleoprotein; minus strand). Cytogenetic location: 4q32.2.
Variant type: single nucleotide variant.
Coding change: c.1033+1G>A on transcript NM_138386.3 (MANE Select); the canonical splice donor site of the intron after coding-DNA position 1033, G replaced by A.
Molecular consequence: splice donor variant.
Genome position (GRCh38, 1-based): chr4:163,133,153, C>T on the plus strand (G>A on the coding strand, the complement: NAF1 is on the minus strand). VCF-style: chr4-163133153-C-T. GRCh37 (hg19) VCF-style: chr4-164054305-C-T.
Other names: c.1033+1G>A (NM_001128931.2).
Identifiers: ClinVar variation 2443184 (VCV002443184.2), dbSNP rs2110894530, ClinGen allele CA358663501.
Genomic context (GRCh38, chr4:163,133,153, plus strand): 5'-GATAAACTTATATAGATGTAAATGAAGATAAAGAACGAGTATATATATTGTATTCACTCA[C>T]CAGGCTCATTAAATTCAGATTTGAGTTTTTTCCGGCCTTGAATCTGAGATTTTTTCCTCT-3'